The following is an entry in ClinVar:

NM_000038.6(APC):c.2893A>C (p.Asn965His)

Gene: APC (APC regulator of Wnt signaling pathway; plus strand). Cytogenetic location: 5q22.2.
Variant type: single nucleotide variant.
Coding change: c.2893A>C on transcript NM_000038.6 (MANE Select); coding-DNA position 2893, A replaced by C.
Protein change: p.Asn965His; replaces asparagine 965 with histidine.
Molecular consequence: missense variant. On other transcripts: non-coding transcript variant (2).
Genome position (GRCh38, 1-based): chr5:112,838,487, A>C. VCF-style: chr5-112838487-A-C. GRCh37 (hg19) VCF-style: chr5-112174184-A-C.
Other names: c.2893A>C, p.Asn965His (NM_001127510.3, NM_001354895.2, NM_001407450.1); c.2839A>C, p.Asn947His (NM_001127511.3); c.2947A>C, p.Asn983His (NM_001354896.2, NM_001407447.1, NM_001407448.1 and 1 more transcripts); c.2923A>C, p.Asn975His (NM_001354897.2); c.2818A>C, p.Asn940His (NM_001354898.2); c.2809A>C, p.Asn937His (NM_001354899.2); c.2770A>C, p.Asn924His (NM_001354900.2); c.2716A>C, p.Asn906His (NM_001354901.2, NM_001407453.1); and 11 more; short protein forms N836H, N874H, N955H, N958H, N975H, N581H, N805H, N839H.
Identifiers: ClinVar variation 2567057 (VCV002567057.4), dbSNP rs2149879613, ClinGen allele CA16027645.

ClinVar aggregate classification (germline): Uncertain significance. Review status: criteria provided, multiple submitters, no conflicts (2 of 4 stars). 3 submissions from 3 submitters: Uncertain significance (3). Last evaluated 2025-08-30.

Conditions:
Classic or attenuated familial adenomatous polyposis. Identifiers: MedGen CN372698, MONDO:0021057.
Hereditary cancer-predisposing syndrome. Also called: Hereditary neoplastic syndrome; Hereditary Cancer Syndrome; Neoplastic Syndromes, Hereditary; Tumor predisposition. Identifiers: Orphanet 140162, MedGen C0027672, MeSH D009386, MONDO:0015356.

Submissions (3):

Color Diagnostics, LLC DBA Color Health
Classification: Uncertain significance for Hereditary cancer-predisposing syndrome. Last evaluated: 2025-08-30. Review status: criteria provided, single submitter. Criteria: ACMG Guidelines, 2015. Collection method: clinical testing. Allele origin: germline.
Comment: This missense variant replaces asparagine with histidine at codon 965 of the APC protein. Computational prediction suggests that this variant may have deleterious impact on protein structure and function. To our knowledge, functional studies have not been reported for this variant. This variant has not been reported in individuals affected with APC-related disorders in the literature. This variant has not been identified in the general population by the Genome Aggregation Database (gnomAD). The available evidence is insufficient to determine the role of this variant in disease conclusively. Therefore, this variant is classified as a Variant of Uncertain Significance.

Ambry Genetics
Classification: Uncertain significance for Hereditary cancer-predisposing syndrome. Last evaluated: 2023-05-28. Review status: criteria provided, single submitter. Criteria: Ambry Variant Classification Scheme 2023. Collection method: clinical testing. Allele origin: germline.
Comment: The p.N965H variant (also known as c.2893A>C), located in coding exon 15 of the APC gene, results from an A to C substitution at nucleotide position 2893. The asparagine at codon 965 is replaced by histidine, an amino acid with similar properties. This amino acid position is conserved. In addition, in silico predictors for this gene do not accurately predict pathogenicity. Since supporting evidence is limited at this time, the clinical significance of this alteration remains unclear.

All of Us Research Program, National Institutes of Health
Classification: Uncertain significance for Classic or attenuated familial adenomatous polyposis. Last evaluated: 2023-03-09. Review status: criteria provided, single submitter. Criteria: ACMG Guidelines, 2015. Collection method: clinical testing. Allele origin: germline. Inheritance: Autosomal dominant inheritance. Observed: 1 variant allele, 1 heterozygote.
Comment: This missense variant replaces asparagine with histidine at codon 965 of the APC protein. Computational prediction suggests that this variant may have deleterious impact on protein structure and function (internally defined REVEL score threshold >= 0.7, PMID: 27666373). To our knowledge, functional studies have not been reported for this variant. This variant has not been reported in individuals affected with APC-related disorders in the literature. This variant has not been identified in the general population by the Genome Aggregation Database (gnomAD). The available evidence is insufficient to determine the role of this variant in disease conclusively. Therefore, this variant is classified as a Variant of Uncertain Significance.

This study involves interpretation of variants in research participants for the purpose of population health screening. Participant phenotype was not available at the time of variant classification. Additional details can be found in publication PMID: 35346344, PMCID: PMC8962531